The following is an entry in ClinVar:

NM_014000.3(VCL):c.2386C>A (p.Pro796Thr)

Gene: VCL (vinculin; plus strand). Cytogenetic location: 10q22.2.
Variant type: single nucleotide variant.
Coding change: c.2386C>A on transcript NM_014000.3 (MANE Select); coding-DNA position 2386, C replaced by A.
Protein change: p.Pro796Thr; replaces proline 796 with threonine.
Molecular consequence: missense variant.
Genome position (GRCh38, 1-based): chr10:74,105,305, C>A. VCF-style: chr10-74105305-C-A. GRCh37 (hg19) VCF-style: chr10-75865063-C-A.
Other names: c.2386C>A, p.Pro796Thr (NM_003373.4); short protein forms P796T.
Identifiers: ClinVar variation 1516618 (VCV001516618.8), dbSNP rs749471739, ClinGen allele CA377262775.

ClinVar aggregate classification (germline): Uncertain significance. Review status: criteria provided, multiple submitters, no conflicts (2 of 4 stars). 2 submissions from 2 submitters: Uncertain significance (2). Last evaluated 2021-12-07.

Conditions:
Dilated cardiomyopathy 1W (CMD1W). Identifiers: Orphanet 154, MedGen C1969639, MONDO:0012667, OMIM 611407.
Cardiovascular phenotype. Identifiers: MedGen CN230736.

Allele frequency attached by ClinVar (database versions not stated): TOPMed 0.00001.
gnomAD v4.1: 3 of 1,613,258 alleles (0.00019%); highest among the groups gnomAD compares: East Asian, 0.0045%; no homozygotes.

Submissions (2):

Ambry Genetics
Classification: Uncertain significance for Cardiovascular phenotype. Last evaluated: 2021-12-07. Review status: criteria provided, single submitter. Criteria: Ambry Variant Classification Scheme 2023. Collection method: clinical testing. Allele origin: germline.
Comment: The p.P796T variant (also known as c.2386C>A), located in coding exon 16 of the VCL gene, results from a C to A substitution at nucleotide position 2386. The proline at codon 796 is replaced by threonine, an amino acid with highly similar properties. This amino acid position is conserved. In addition, the in silico prediction for this alteration is inconclusive. Since supporting evidence is limited at this time, the clinical significance of this alteration remains unclear.

Labcorp Genetics (formerly Invitae), Labcorp
Classification: Uncertain significance for Dilated cardiomyopathy 1W. Last evaluated: 2021-01-22. Review status: criteria provided, single submitter. Criteria: Invitae Variant Classification Sherloc (09022015). Collection method: clinical testing. Allele origin: germline.
Comment: In summary, the available evidence is currently insufficient to determine the role of this variant in disease. Therefore, it has been classified as a Variant of Uncertain Significance. Algorithms developed to predict the effect of missense changes on protein structure and function are either unavailable or do not agree on the potential impact of this missense change (SIFT: "Not Available"; PolyPhen-2: "Probably Damaging"; Align-GVGD: "Not Available"). This variant has not been reported in the literature in individuals with VCL-related conditions. This variant is not present in population databases (ExAC no frequency). This sequence change replaces proline with threonine at codon 796 of the VCL protein (p.Pro796Thr). The proline residue is highly conserved and there is a small physicochemical difference between proline and threonine.